The following is an entry in ClinVar:

NM_001368882.1(COL13A1):c.1878C>T (p.Pro626=)

Gene: COL13A1 (collagen type XIII alpha 1 chain; plus strand). Cytogenetic location: 10q22.1.
Variant type: single nucleotide variant.
Coding change: c.1878C>T on transcript NM_001368882.1 (MANE Select); coding-DNA position 1878, C replaced by T.
Protein change: p.Pro626=; no amino-acid change (proline 626 retained).
Molecular consequence: synonymous variant.
Genome position (GRCh38, 1-based): chr10:69,937,715, C>T. VCF-style: chr10-69937715-C-T. GRCh37 (hg19) VCF-style: chr10-71697471-C-T.
Other names: c.1845C>T, p.Pro615= (NM_001130103.2); c.1770C>T, p.Pro590= (NM_001320951.2); c.1755C>T, p.Pro585= (NM_001368883.1); c.1728C>T, p.Pro576= (NM_001368884.1); c.1692C>T, p.Pro564= (NM_001368885.1); c.1170C>T, p.Pro390= (NM_001368886.1); c.1701C>T, p.Pro567= (NM_001368895.1); c.1587C>T, p.Pro529= (NM_001368896.1); and 7 more.
Identifiers: ClinVar variation 1449762 (VCV001449762.28), dbSNP rs201399235, ClinGen allele CA5534956.
Genomic context (GRCh38, chr10:69,937,715, plus strand): 5'-AGCAAAAGGAGAGAAAGGCTTCCAGGGAGAAAAAGGAGACCGTGGTCCCCTGGGACTACC[C>T]GTAAGTACCTTGGACCCAGCAAGACTGGTGGGTTTGATGGGCCAGGGGTGTGGGCTGGGA-3'
Protein context (NP_001355811.1, residues 616-636): EKGDRGPLGL[Pro626=]GASGLDGRPG

ClinVar aggregate classification (germline): Conflicting classifications of pathogenicity. Review status: criteria provided, conflicting classifications (1 of 4 stars). 2 submissions from 2 submitters: Uncertain significance (1); Likely benign (1). Last evaluated 2022-12-01.

Allele frequency attached by ClinVar (database versions not stated): TOPMed 0.00013; ESP Exome Variant Server 0.00017; gnomAD 0.00017 and 0.00018; gnomAD exomes 0.00043.
gnomAD v4.1: 354 of 1,475,708 alleles (0.024%); highest among the groups gnomAD compares: Non-Finnish European, 0.022%; no homozygotes.

Submissions (2):

CeGaT Center for Human Genetics Tuebingen
Classification: Likely benign. Last evaluated: 2022-12-01. Review status: criteria provided, single submitter. Criteria: CeGaT Center For Human Genetics Tuebingen Variant Classification Criteria Version 2. Collection method: clinical testing. Allele origin: germline. Affected: yes. Observed: 1 variant allele.
Comment: COL13A1: BP4, BP7

Labcorp Genetics (formerly Invitae), Labcorp
Classification: Uncertain significance. Last evaluated: 2022-08-21. Review status: criteria provided, single submitter. Criteria: Invitae Variant Classification Sherloc (09022015). Collection method: clinical testing. Allele origin: germline.
Comment: This sequence change affects codon 615 of the COL13A1 mRNA. It is a 'silent' change, meaning that it does not change the encoded amino acid sequence of the COL13A1 protein. It affects a nucleotide within the consensus splice site. This variant is present in population databases (rs201399235, gnomAD 0.1%). This variant has not been reported in the literature in individuals affected with COL13A1-related conditions. ClinVar contains an entry for this variant (Variation ID: 1449762). Algorithms developed to predict the effect of sequence changes on RNA splicing suggest that this variant is not likely to affect RNA splicing. In summary, the available evidence is currently insufficient to determine the role of this variant in disease. Therefore, it has been classified as a Variant of Uncertain Significance.